The following is an entry in ClinVar:

NM_033063.2(MAP6):c.168G>C (p.Ala56=)

Gene: MAP6 (microtubule associated protein 6; minus strand). Cytogenetic location: 11q13.5.
Variant type: single nucleotide variant.
Coding change: c.168G>C on transcript NM_033063.2 (MANE Select); coding-DNA position 168, G replaced by C.
Protein change: p.Ala56=; no amino-acid change (alanine 56 retained).
Molecular consequence: synonymous variant.
Genome position (GRCh38, 1-based): chr11:75,668,202, C>G on the plus strand (G>C on the coding strand, the complement: MAP6 is on the minus strand). VCF-style: chr11-75668202-C-G. GRCh37 (hg19) VCF-style: chr11-75379247-C-G.
Other names: c.168G>C, p.Ala56= (NM_207577.1).
Identifiers: ClinVar variation 2642160 (VCV002642160.24), dbSNP rs533630603, ClinGen allele CA6191448.

ClinVar aggregate classification (germline): Likely benign (1 of 4 stars; one submission).

Allele frequency attached by ClinVar (database versions not stated): 1000 Genomes Project 0.00060; 1000 Genomes Project 30x 0.00156; gnomAD 0.00441; ExAC 0.02830.
gnomAD v4.1: 8,631 of 1,264,352 alleles (0.68%); highest among the groups gnomAD compares: Non-Finnish European, 0.78%; 37 homozygotes.

Submission:

CeGaT Center for Human Genetics Tuebingen
Classification: Likely benign. Last evaluated: 2023-01-01. Review status: criteria provided, single submitter. Criteria: CeGaT Center For Human Genetics Tuebingen Variant Classification Criteria Version 2. Collection method: clinical testing. Allele origin: germline. Affected: yes. Observed: 1 variant allele.
Comment: MAP6: BP4, BP7